The following is an entry in ClinVar:

NM_002224.4(ITPR3):c.404T>C (p.Val135Ala)

Gene: ITPR3 (inositol 1,4,5-trisphosphate receptor type 3; plus strand). Cytogenetic location: 6p21.31.
Variant type: single nucleotide variant.
Coding change: c.404T>C on transcript NM_002224.4 (MANE Select); coding-DNA position 404, T replaced by C.
Protein change: p.Val135Ala; replaces valine 135 with alanine.
Molecular consequence: missense variant.
Genome position (GRCh38, 1-based): chr6:33,658,704, T>C. VCF-style: chr6-33658704-T-C. GRCh37 (hg19) VCF-style: chr6-33626481-T-C.
Other names: short protein forms V135A.
Identifiers: ClinVar variation 4813625 (VCV004813625.1).

ClinVar aggregate classification (germline): Uncertain significance (1 of 4 stars; one submission).

Conditions:
Charcot-Marie-Tooth disease, demyelinating, type 1J. Also called: CHARCOT-MARIE-TOOTH NEUROPATHY, DEMYELINATING, TYPE 1J. Identifiers: MedGen C5774249, MONDO:0859311, OMIM 620111.

Submission:

Concord Molecular Medicine Laboratory, Concord Repatriation General Hospital
Classification: Uncertain significance for Charcot-Marie-Tooth disease, demyelinating, type 1J. Last evaluated: 2026-03-09. Review status: criteria provided, single submitter. Criteria: ACMG Guidelines, 2015. Collection method: clinical testing. Allele origin: paternal, germline. Inheritance: Autosomal dominant inheritance. Affected: yes. Observed: 2 variant alleles, 2 heterozygotes. Clinical features observed: Mixed demyelinating and axonal polyneuropathy (HP:0007327), Sensorimotor neuropathy (HP:0007141).
Comment: This variant is detected in heterozygous state in two individuals in a family and segregates with a peripheral neuropathy phenotype. The variant is detected at a very low population frequency in control population (VAF: 0.00024%, gnomAD v4.1.0). Missense variants in ITPR3 are generally not tolerated (gnomAD missense constraint Z score 5.28). In silico analysis suggests a pathogenic effect (REVEL 0.92).